The following is an entry in ClinVar:

ClinVar aggregate classification (germline): Likely benign (1 of 4 stars; one submission).

Submission:

CeGaT Center for Human Genetics Tuebingen
Classification: Likely benign. Last evaluated: 2023-03-01. Review status: criteria provided, single submitter. Criteria: CeGaT Center For Human Genetics Tuebingen Variant Classification Criteria Version 2. Collection method: clinical testing. Allele origin: germline. Affected: yes. Observed: 2 variant alleles.
Comment: RASA1: BS1

NM_002890.3(RASA1):c.*840ATT[1]

Genes: CCNH (cyclin H; minus strand), RASA1 (RAS p21 protein activator 1; plus strand). Cytogenetic location: 5q14.3.
Variant type: Microsatellite.
Coding change: c.*840ATT[1] on transcript NM_002890.3 (MANE Select); one copy of the 3-base unit ATT starting at c.*840; the reference has two copies in a row; one copy, 3 bases deleted.
Molecular consequence: 3 prime UTR variant. On other transcripts: non-coding transcript variant (1), intron variant (1).
Genome position (GRCh38, 1-based): chr5:87,391,726-87,391,728, ATT deleted; deleting any 3 consecutive bases within chr5:87,391,723-87,391,728 gives the same sequence; the position shown is the placement nearest the transcript's 3' end. VCF-style (leftmost placement, unchanged base first): chr5-87391722-CATT-C. GRCh37 (hg19) VCF-style: chr5-86687539-CATT-C.
Other names: c.*840ATT[1] (NM_022650.3); c.*1132AAT[1] (NM_001363539.2, NM_001364076.2); c.933+3319_933+3321del (NM_001364075.2).
Identifiers: ClinVar variation 354543 (VCV000354543.29), dbSNP rs201705926, ClinGen allele CA10625237.